The following is an entry in ClinVar:

NM_000057.4(BLM):c.2491G>C (p.Ala831Pro)

Gene: BLM (BLM RecQ like helicase; plus strand). Cytogenetic location: 15q26.1.
Variant type: single nucleotide variant.
Coding change: c.2491G>C on transcript NM_000057.4 (MANE Select); coding-DNA position 2491, G replaced by C.
Protein change: p.Ala831Pro; replaces alanine 831 with proline.
Molecular consequence: missense variant.
Genome position (GRCh38, 1-based): chr15:90,769,522, G>C. VCF-style: chr15-90769522-G-C. GRCh37 (hg19) VCF-style: chr15-91312752-G-C.
Other names: c.2491G>C, p.Ala831Pro (NM_001287246.2, NM_001287247.2); c.1366G>C, p.Ala456Pro (NM_001287248.2); short protein forms A456P, A831P.
Identifiers: ClinVar variation 2099610 (VCV002099610.4), dbSNP rs2151166245, ClinGen allele CA393845434.

ClinVar aggregate classification (germline): Uncertain significance (1 of 4 stars; one submission).

Conditions:
Bloom syndrome (BLM). Also called: Bloom-Torre-Machacek syndrome. Identifiers: Orphanet 125, MedGen C0005859, MONDO:0008876, OMIM 210900.

Submission:

Labcorp Genetics (formerly Invitae), Labcorp
Classification: Uncertain significance for Bloom syndrome. Last evaluated: 2022-11-22. Review status: criteria provided, single submitter. Criteria: Invitae Variant Classification Sherloc (09022015). Collection method: clinical testing. Allele origin: germline.
Comment: In summary, the available evidence is currently insufficient to determine the role of this variant in disease. Therefore, it has been classified as a Variant of Uncertain Significance. Advanced modeling of protein sequence and biophysical properties (such as structural, functional, and spatial information, amino acid conservation, physicochemical variation, residue mobility, and thermodynamic stability) performed at Invitae indicates that this missense variant is expected to disrupt BLM protein function. This variant has not been reported in the literature in individuals affected with BLM-related conditions. This variant is not present in population databases (gnomAD no frequency). This sequence change replaces alanine, which is neutral and non-polar, with proline, which is neutral and non-polar, at codon 831 of the BLM protein (p.Ala831Pro).